The following is an entry in ClinVar:

ClinVar aggregate classification (germline): Uncertain significance. Review status: criteria provided, multiple submitters, no conflicts (2 of 4 stars). 4 submissions from 4 submitters: Uncertain significance (4). Last evaluated 2025-08-05.

Conditions:
Cardiovascular phenotype. Identifiers: MedGen CN230736.
Catecholaminergic polymorphic ventricular tachycardia 5 (CARDAR). Also called: CARDIAC ARRHYTHMIA SYNDROME, WITH OR WITHOUT SKELETAL MUSCLE WEAKNESS; Ventricular tachycardia, catecholaminergic polymorphic, 5, with or without muscle weakness. Identifiers: Orphanet 3286, MedGen C3809536, MONDO:0014191, OMIM 615441.
Catecholaminergic polymorphic ventricular tachycardia 1. Also called: VENTRICULAR TACHYCARDIA, CATECHOLAMINERGIC POLYMORPHIC, 1, WITH OR WITHOUT ATRIAL DYSFUNCTION AND/OR DILATED CARDIOMYOPATHY; VENTRICULAR TACHYCARDIA, STRESS-INDUCED POLYMORPHIC 1; RYR2-Related Catecholaminergic Polymorphic Ventricular Tachycardia. Identifiers: Orphanet 3286, MedGen C1631597, MONDO:0011484, OMIM 604772.

Allele frequency attached by ClinVar (database versions not stated): gnomAD 0.00006 and 0.00007; TOPMed 0.00005; gnomAD exomes 0.00003; ExAC 0.00006; ESP Exome Variant Server 0.00017.
gnomAD v4.1: 170 of 1,602,180 alleles (0.011%); highest among the groups gnomAD compares: Non-Finnish European, 0.013%; no homozygotes.

Submissions (4):

Ambry Genetics
Classification: Uncertain significance for Cardiovascular phenotype. Last evaluated: 2025-08-05. Review status: criteria provided, single submitter. Criteria: Ambry Variant Classification Scheme 2023. Collection method: clinical testing. Allele origin: germline.
Comment: The c.1105G>A variant (also known as p.A369T), located in coding exon 13 of the TRDN gene, results from a G to A substitution at nucleotide position 1105. The amino acid change results in alanine to threonine at codon 369, an amino acid with similar properties. However, this change occurs in the last base pair of coding exon 13, which makes it likely to have some effect on normal mRNA splicing. This nucleotide position is highly conserved in available vertebrate species. This amino acid position is well conserved in available vertebrate species. In silico splice site analysis predicts that this alteration will weaken the native splice donor site. In addition, as a missense substitution this is predicted to be tolerated by in silico analysis. However, this alteration does not impact the predominant cardiac isoform of TRDN (NM_001256021.1; Kobayashi YM et al. J. Biol. Chem., 1999 Oct;274:28660-8). Based on the available evidence, the clinical significance of this variant remains unclear.

GeneDx
Classification: Uncertain significance. Last evaluated: 2025-06-30. Review status: criteria provided, single submitter. Criteria: GeneDx Variant Classification Process June 2021. Collection method: clinical testing. Allele origin: germline.
Comment: Not observed at significant frequency in large population cohorts (gnomAD); Alters the last nucleotide of the exon and is predicted to destroy the splice donor site but the effect on protein function is unclear; In silico analysis suggests that this missense variant does not alter protein structure/function; Has not been previously published as pathogenic or benign to our knowledge; This variant is associated with the following publications: (PMID: 32579932)

Labcorp Genetics (formerly Invitae), Labcorp
Classification: Uncertain significance for Catecholaminergic polymorphic ventricular tachycardia 1. Last evaluated: 2022-03-19. Review status: criteria provided, single submitter. Criteria: Invitae Variant Classification Sherloc (09022015). Collection method: clinical testing. Allele origin: germline.
Comment: This sequence change replaces alanine, which is neutral and non-polar, with threonine, which is neutral and polar, at codon 369 of the TRDN protein (p.Ala369Thr). This variant also falls at the last nucleotide of exon 13, which is part of the consensus splice site for this exon. This variant is present in population databases (rs369198088, gnomAD 0.01%). This variant has not been reported in the literature in individuals affected with TRDN-related conditions. ClinVar contains an entry for this variant (Variation ID: 408726). Algorithms developed to predict the effect of missense changes on protein structure and function are either unavailable or do not agree on the potential impact of this missense change (SIFT: "Tolerated"; PolyPhen-2: "Possibly Damaging"; Align-GVGD: "Class C0"). Variants that disrupt the consensus splice site are a relatively common cause of aberrant splicing (PMID: 17576681, 9536098). Algorithms developed to predict the effect of sequence changes on RNA splicing suggest that this variant may disrupt the consensus splice site. In summary, the available evidence is currently insufficient to determine the role of this variant in disease. Therefore, it has been classified as a Variant of Uncertain Significance.

ARUP Laboratories, Molecular Genetics and Genomics, ARUP Laboratories
Classification: Uncertain significance for Catecholaminergic polymorphic ventricular tachycardia 5. Last evaluated: 2021-04-23. Review status: criteria provided, single submitter. Criteria: ARUP Molecular Germline Variant Investigation Process 2021. Collection method: clinical testing. Allele origin: germline.
Comment: The TRDN c.1105G>A; p.Ala369Thr variant (rs369198088), to our knowledge, is not reported in the medical literature but is reported in ClinVar (Variation ID: 408726). This variant is found on only eight chromosomes (8/264396 alleles) in the Genome Aggregation Database. The alanine at codon 396 is moderately conserved, and computational analyses predict that this variant is neutral (REVEL: 0.057). However, this variant also occurs in the last nucleotide of exon 13, and computational analyses of splicing (Alamut v.2.11) predict that this variant may impact splicing by weakening the nearby canonical donor splice site, although RNA studies would be required to confirm this. Given the lack of clinical and functional data, the significance of the p.Ala369Thr variant is uncertain at this time.

Literature cited by the submitters: PubMed 17576681 (cited by Labcorp Genetics (formerly Invitae), Labcorp); PubMed 9536098 (cited by Labcorp Genetics (formerly Invitae), Labcorp).

NM_006073.4(TRDN):c.1105G>A (p.Ala369Thr)

Gene: TRDN (triadin; minus strand). Cytogenetic location: 6q22.31.
Variant type: single nucleotide variant.
Coding change: c.1105G>A on transcript NM_006073.4 (MANE Select); coding-DNA position 1105, G replaced by A.
Protein change: p.Ala369Thr; replaces alanine 369 with threonine.
Molecular consequence: missense variant.
Genome position (GRCh38, 1-based): chr6:123,393,624, C>T on the plus strand (G>A on the coding strand, the complement: TRDN is on the minus strand). VCF-style: chr6-123393624-C-T. GRCh37 (hg19) VCF-style: chr6-123714769-C-T.
Other names: c.1108G>A, p.Ala370Thr (NM_001251987.2); short protein forms A369T, A370T.
Identifiers: ClinVar variation 408726 (VCV000408726.18), dbSNP rs369198088, ClinGen allele CA3984132.